The following is an entry in ClinVar:

NM_001018005.2(TPM1):c.126G>A (p.Glu42=)

Gene: TPM1 (tropomyosin 1; plus strand). Cytogenetic location: 15q22.2.
Variant type: single nucleotide variant.
Coding change: c.126G>A on transcript NM_001018005.2 (MANE Select); coding-DNA position 126, G replaced by A.
Protein change: p.Glu42=; no amino-acid change (glutamic acid 42 retained).
Molecular consequence: synonymous variant. On other transcripts: intron variant (3).
Genome position (GRCh38, 1-based): chr15:63,044,038, G>A. VCF-style: chr15-63044038-G-A. GRCh37 (hg19) VCF-style: chr15-63336237-G-A.
Other names: c.126G>A, p.Glu42= (NM_000366.6, NM_001018004.2, NM_001018006.2 and 3 more transcripts); c.252G>A, p.Glu84= (NM_001365778.1); c.240+207G>A (NM_001018020.2, NM_001018007.2, NM_001301244.2).
Identifiers: ClinVar variation 1171175 (VCV001171175.7), dbSNP rs2031852609, ClinGen allele CA490679380.

ClinVar aggregate classification (germline): Likely benign. Review status: criteria provided, multiple submitters, no conflicts (2 of 4 stars). 4 submissions from 4 submitters: Likely benign (4). Last evaluated 2026-08-10.

Conditions:
Cardiomyopathy (CMYO). Also called: Cardiomyopathies. Identifiers: Orphanet 167848, MedGen C0878544, MONDO:0004994, HP:0001638. Inheritance: Various modes of inheritance.
Cardiovascular phenotype. Identifiers: MedGen CN230736.
Hypertrophic cardiomyopathy. Also called: HYPERTROPHIC MYOCARDIOPATHY. Identifiers: Orphanet 217569, MedGen C0007194, MeSH D002312, MONDO:0005045, HP:0001639.

Allele frequency attached by ClinVar (database versions not stated): gnomAD 0.00001; gnomAD exomes below 0.00001; TOPMed below 0.00001.
gnomAD v4.1: 2 of 1,613,998 alleles (0.00012%); highest among the groups gnomAD compares: Admixed American, 0.0033%; no homozygotes.

Submissions (4):

Ambry Genetics
Classification: Likely benign for Cardiovascular phenotype. Last evaluated: 2026-08-10. Review status: criteria provided, single submitter. Criteria: Ambry Variant Classification Scheme 2023. Collection method: clinical testing. Allele origin: germline.

Labcorp Genetics (formerly Invitae), Labcorp
Classification: Likely benign for Hypertrophic cardiomyopathy. Last evaluated: 2024-12-20. Review status: criteria provided, single submitter. Criteria: Invitae Variant Classification Sherloc (09022015). Collection method: clinical testing. Allele origin: germline.

All of Us Research Program, National Institutes of Health
Classification: Likely benign for Hypertrophic cardiomyopathy. Last evaluated: 2023-11-20. Review status: criteria provided, single submitter. Criteria: ACMG Guidelines, 2015. Collection method: clinical testing. Allele origin: germline. Inheritance: Autosomal dominant inheritance. Observed: 2 variant alleles, 2 heterozygotes.
Comment: This study involves interpretation of variants in research participants for the purpose of population health screening. Participant phenotype was not available at the time of variant classification. Additional details can be found in publication PMID: 35346344, PMCID: PMC8962531

Color Diagnostics, LLC DBA Color Health
Classification: Likely benign for Cardiomyopathy. Last evaluated: 2020-06-29. Review status: criteria provided, single submitter. Criteria: ACMG Guidelines, 2015. Collection method: clinical testing. Allele origin: germline.